The following is an entry in ClinVar:

ClinVar aggregate classification (germline): Uncertain significance (1 of 4 stars; one submission).

Allele frequency attached by ClinVar (database versions not stated): gnomAD exomes below 0.00001.
gnomAD v4.1: 2 of 1,607,692 alleles (0.00012%); highest among the groups gnomAD compares: Non-Finnish European, 0.00017%; no homozygotes.

Submission:

Ambry Genetics
Classification: Uncertain significance. Last evaluated: 2021-12-08. Review status: criteria provided, single submitter. Criteria: Ambry Variant Classification Scheme 2023. Collection method: clinical testing. Allele origin: germline.
Comment: The p.G1228D variant (also known as c.3683G>A), located in coding exon 31 of the PRKDC gene, results from a G to A substitution at nucleotide position 3683. The glycine at codon 1228 is replaced by aspartic acid, an amino acid with similar properties. This amino acid position is conserved. In addition, this alteration is predicted to be tolerated by in silico analysis. Since supporting evidence is limited at this time, the clinical significance of this alteration remains unclear.

NM_006904.7(PRKDC):c.3683G>A (p.Gly1228Asp)

Gene: PRKDC (protein kinase, DNA-activated, catalytic subunit; minus strand). Cytogenetic location: 8q11.21.
Variant type: single nucleotide variant.
Coding change: c.3683G>A on transcript NM_006904.7 (MANE Select); coding-DNA position 3683, G replaced by A.
Protein change: p.Gly1228Asp; replaces glycine 1228 with aspartic acid.
Molecular consequence: missense variant.
Genome position (GRCh38, 1-based): chr8:47,893,303, C>T on the plus strand (G>A on the coding strand, the complement: PRKDC is on the minus strand). VCF-style: chr8-47893303-C-T. GRCh37 (hg19) VCF-style: chr8-48805863-C-T.
Other names: c.3683G>A, p.Gly1228Asp (NM_001081640.2); short protein forms G1228D.
Identifiers: ClinVar variation 1733903 (VCV001733903.2), dbSNP rs1274479938, ClinGen allele CA371150786.